The following is an entry in ClinVar:

ClinVar aggregate classification (germline): Pathogenic. Review status: criteria provided, multiple submitters, no conflicts (2 of 4 stars). 2 submissions from 2 submitters: Pathogenic (2). Last evaluated 2021-09-07.

Conditions:
Hereditary breast ovarian cancer syndrome. Also called: Hereditary breast and ovarian cancer; Hereditary breast and ovarian cancer syndrome (HBOC); Breast and ovarian cancer; Hereditary breast and ovarian cancer syndrome; BRCA1- and BRCA2-Associated Hereditary Breast and Ovarian Cancer; Hereditary breast and/or ovarian cancer syndrome. Identifiers: Orphanet 145, MedGen C0677776, MeSH D061325, MONDO:0003582. Disease mechanism: loss of function.
Hereditary cancer-predisposing syndrome. Also called: Tumor predisposition; Neoplastic Syndromes, Hereditary; Hereditary neoplastic syndrome; Hereditary Cancer Syndrome. Identifiers: Orphanet 140162, MedGen C0027672, MeSH D009386, MONDO:0015356.

Submissions (2):

Labcorp Genetics (formerly Invitae), Labcorp
Classification: Pathogenic for Hereditary breast ovarian cancer syndrome. Last evaluated: 2021-09-07. Review status: criteria provided, single submitter. Criteria: Invitae Variant Classification Sherloc (09022015). Collection method: clinical testing. Allele origin: germline.
Comment: ClinVar contains an entry for this variant (Variation ID: 631227). Algorithms developed to predict the effect of sequence changes on RNA splicing suggest that this variant may create or strengthen a splice site. For these reasons, this variant has been classified as Pathogenic. This sequence change creates a premature translational stop signal (p.Ser1389Valfs*4) in the BRCA1 gene. It is expected to result in an absent or disrupted protein product. Loss-of-function variants in BRCA1 are known to be pathogenic (PMID: 20104584). This variant is not present in population databases (ExAC no frequency). This premature translational stop signal has been observed in individual(s) with breast and/or ovarian cancer (PMID: 29470806).

Color Diagnostics, LLC DBA Color Health
Classification: Pathogenic for Hereditary cancer-predisposing syndrome. Last evaluated: 2020-05-01. Review status: criteria provided, single submitter. Criteria: ACMG Guidelines, 2015. Collection method: clinical testing. Allele origin: germline.
Comment: This variant deletes 1 nucleotide in exon 11 of the BRCA1 gene, creating a frameshift and premature translation stop signal. This variant is expected to result in an absent or non-functional protein product. To our knowledge, this variant has not been reported in individuals affected with hereditary cancer in the literature. This variant has not been identified in the general population by the Genome Aggregation Database (gnomAD). Loss of BRCA1 function is a known mechanism of disease. Based on the available evidence, this variant is classified as Pathogenic.

Literature cited by the submitters: PubMed 20104584 (cited by Labcorp Genetics (formerly Invitae), Labcorp); PubMed 29470806 (cited by Labcorp Genetics (formerly Invitae), Labcorp).

NM_007294.4(BRCA1):c.4165del (p.Ser1389fs)

Gene: BRCA1 (BRCA1 DNA repair associated; minus strand). Cytogenetic location: 17q21.31.
Variant type: Deletion.
Coding change: c.4165del on transcript NM_007294.4 (MANE Select); coding-DNA position 4165, one base deleted (A; older notation c.4165delA).
Protein change: p.Ser1389fs; shifts the reading frame from serine 1389.
Molecular consequence: frameshift variant. On other transcripts: non-coding transcript variant (1).
Genome position (GRCh38, 1-based): chr17:43,090,964, T deleted on the plus strand (A on the coding strand, the reverse complement: BRCA1 is on the minus strand). VCF-style (leftmost placement, unchanged base first): chr17-43090963-CT-C. GRCh37 (hg19) VCF-style: chr17-41242980-CT-C.
Other names: c.4042delA, p.Ser1348Valfs (NM_001407648.1, NM_001407664.1, NM_001407665.1 and 19 more transcripts); c.4039delA, p.Ser1347Valfs (NM_001407649.1, NM_001407670.1, NM_001407671.1 and 11 more transcripts); c.4165delA, p.Ser1389Valfs (NM_001407652.1, NM_001407684.1, NM_001407854.1 and 30 more transcripts); c.4087delA, p.Ser1363Valfs (NM_001407653.1, NM_001407654.1, NM_001407655.1 and 4 more transcripts); c.4084delA, p.Ser1362Valfs (NM_001407659.1, NM_001407660.1, NM_001407661.1 and 1 more transcripts); c.4024delA, p.Ser1342Valfs (NM_001407692.1, NM_001407694.1, NM_001407695.1 and 28 more transcripts); c.4021delA, p.Ser1341Valfs (NM_001407740.1, NM_001407741.1, NM_001407742.1 and 20 more transcripts); c.3952delA, p.Ser1318Valfs (NM_001407853.1, NM_001407894.1, NM_001407895.1 and 9 more transcripts); and 44 more; short protein forms S1342fs, S1389fs, S286fs.
Identifiers: ClinVar variation 631227 (VCV000631227.12), dbSNP rs1567788282, ClinGen allele CA913187782.